The following is an entry in ClinVar:

ClinVar aggregate classification (germline): Uncertain significance. Review status: criteria provided, multiple submitters, no conflicts (2 of 4 stars). 2 submissions from 2 submitters: Uncertain significance (2). Last evaluated 2026-02-05.

Submissions (2):

GeneDx
Classification: Uncertain significance. Last evaluated: 2026-02-05. Review status: criteria provided, single submitter. Criteria: GeneDx Variant Classification Process June 2021. Collection method: clinical testing. Allele origin: germline.
Comment: In-frame duplication of 2 amino acid(s) in a non-repeat region; Has not been previously published as pathogenic or benign to our knowledge

Labcorp Genetics (formerly Invitae), Labcorp
Classification: Uncertain significance. Last evaluated: 2022-12-16. Review status: criteria provided, single submitter. Criteria: Invitae Variant Classification Sherloc (09022015). Collection method: clinical testing. Allele origin: germline.
Comment: In summary, the available evidence is currently insufficient to determine the role of this variant in disease. Therefore, it has been classified as a Variant of Uncertain Significance. This variant has not been reported in the literature in individuals affected with MNX1-related conditions. This variant is present in population databases (rs773709213, gnomAD 0.02%). This variant, c.1086_1091dup, results in the insertion of 2 amino acid(s) of the MNX1 protein (p.Glu362_Asp363dup), but otherwise preserves the integrity of the reading frame.

NM_005515.4(MNX1):c.1074GGACGA[4] (p.Asp363_Asp364insGluAsp)

Gene: MNX1 (motor neuron and pancreas homeobox 1; minus strand). Cytogenetic location: 7q36.3.
Variant type: Microsatellite.
Coding change: c.1074GGACGA[4] on transcript NM_005515.4 (MANE Select); four copies in a row of the 6-base unit GGACGA starting at c.1074; the reference has three copies in a row; one copy, 6 bases duplicated; also written c.1086_1091dup.
Protein change: p.Asp363_Asp364insGluAsp.
Molecular consequence: inframe insertion.
Genome position (GRCh38, 1-based): chr7:157,005,635-157,005,640, TCGTCC duplicated on the plus strand (GGACGA on the coding strand, the reverse complement: MNX1 is on the minus strand); duplicating any 6 consecutive bases within chr7:157,005,635-157,005,654 gives the same sequence; the position shown is the placement nearest the transcript's 3' end. VCF-style (leftmost placement, unchanged base first): chr7-157005634-G-GTCGTCC. GRCh37 (hg19) VCF-style: chr7-156798328-G-GTCGTCC.
Other names: c.438GGACGA[4], p.Asp151_Asp152insGluAsp (NM_001165255.2); c.1086_1091dup (NM_005515.3).
Identifiers: ClinVar variation 2716918 (VCV002716918.4), dbSNP rs763608839, ClinGen allele CA4589120.